The following is an entry in ClinVar:

NM_020800.3(IFT80):c.36G>A (p.Lys12=)

Genes: IFT80 (intraflagellar transport 80; minus strand), TRIM59-IFT80 (TRIM59-IFT80 readthrough (NMD candidate); minus strand). Cytogenetic location: 3q25.33.
Variant type: single nucleotide variant.
Coding change: c.36G>A on transcript NM_020800.3 (MANE Select); coding-DNA position 36, G replaced by A.
Protein change: p.Lys12=; no amino-acid change (lysine 12 retained).
Molecular consequence: synonymous variant. On other transcripts: non-coding transcript variant (2), 5 prime UTR variant (1).
Genome position (GRCh38, 1-based): chr3:160,384,565, C>T on the plus strand (G>A on the coding strand, the complement: IFT80 is on the minus strand). VCF-style: chr3-160384565-C-T. GRCh37 (hg19) VCF-style: chr3-160102353-C-T.
Other names: c.-596G>A (NM_001190241.2).
Identifiers: ClinVar variation 1501701 (VCV001501701.4), dbSNP rs764052178, ClinGen allele CA2685597.

ClinVar aggregate classification (germline): Uncertain significance (1 of 4 stars; one submission).

Conditions:
Jeune thoracic dystrophy. Also called: Infantile thoracic dystrophy; Thoracic pelvic phalangeal dystrophy; Jeune's syndrome; Chondroectodermal dysplasia-like syndrome; Jeune syndrome; Short-rib thoracic dysplasia. Identifiers: Orphanet 474, MedGen C0265275, MONDO:0018770.

Allele frequency attached by ClinVar (database versions not stated): gnomAD exomes 0.00001 and 0.00003; ExAC 0.00003; gnomAD 0.00009 and 0.00011; TOPMed 0.00015.
gnomAD v4.1: 28 of 1,485,012 alleles (0.0019%); highest among the groups gnomAD compares: African/African-American, 0.033%; no homozygotes.

Submission:

Labcorp Genetics (formerly Invitae), Labcorp
Classification: Uncertain significance for Jeune thoracic dystrophy. Last evaluated: 2023-12-11. Review status: criteria provided, single submitter. Criteria: Invitae Variant Classification Sherloc (09022015). Collection method: clinical testing. Allele origin: germline.
Comment: This sequence change affects codon 12 of the IFT80 mRNA. It is a 'silent' change, meaning that it does not change the encoded amino acid sequence of the IFT80 protein. It affects a nucleotide within the consensus splice site. This variant is present in population databases (rs764052178, gnomAD 0.04%). This variant has not been reported in the literature in individuals affected with IFT80-related conditions. ClinVar contains an entry for this variant (Variation ID: 1501701). Algorithms developed to predict the effect of sequence changes on RNA splicing suggest that this variant is not likely to affect RNA splicing. In summary, the available evidence is currently insufficient to determine the role of this variant in disease. Therefore, it has been classified as a Variant of Uncertain Significance.